The following is an entry in ClinVar:

ClinVar aggregate classification (germline): Likely benign (1 of 4 stars; one submission).

Conditions:
Macular corneal dystrophy (MCD). Also called: GROENOUW TYPE II CORNEAL DYSTROPHY; Macular corneal dystrophy Type I. Identifiers: Orphanet 98969, MedGen C1636149, MONDO:0009020, OMIM 217800.

Allele frequency attached by ClinVar (database versions not stated): gnomAD 0.00021; TOPMed 0.00024; 1000 Genomes Project 0.00060; 1000 Genomes Project 30x 0.00062.
gnomAD v4.1: 31 of 152,444 alleles (0.02%); highest among the groups gnomAD compares: African/African-American, 0.065%; no homozygotes.

Submission:

Illumina Laboratory Services, Illumina
Classification: Likely benign for Macular corneal dystrophy. Last evaluated: 2018-01-12. Review status: criteria provided, single submitter. Criteria: ICSL Variant Classification Criteria 13 December 2019. Collection method: clinical testing. Allele origin: germline.
Comment: This variant was observed in the ICSL laboratory as part of a predisposition screen in an ostensibly healthy population. It had not been previously curated by ICSL or reported in the Human Gene Mutation Database (HGMD: prior to June 1st, 2018), and was therefore a candidate for classification through an automated scoring system. Utilizing variant allele frequency, disease prevalence and penetrance estimates, and inheritance mode, an automated score was calculated to assess if this variant is too frequent to cause the disease. Based on the score and internal cut-off values, a variant classified as likely benign is not then subjected to further curation. The score for this variant resulted in a classification of likely benign for this disease.

NM_021615.5(CHST6):c.*5197C>T

Gene: CHST6 (carbohydrate sulfotransferase 6; minus strand). Cytogenetic location: 16q23.1.
Variant type: single nucleotide variant.
Coding change: c.*5197C>T on transcript NM_021615.5 (MANE Select); 5197 bases downstream of the stop codon, C replaced by T.
Molecular consequence: 3 prime UTR variant. On other transcripts: non-coding transcript variant (2).
Genome position (GRCh38, 1-based): chr16:75,473,444, G>A on the plus strand (C>T on the coding strand, the complement: CHST6 is on the minus strand). VCF-style: chr16-75473444-G-A. GRCh37 (hg19) VCF-style: chr16-75507342-G-A.
Identifiers: ClinVar variation 887929 (VCV000887929.4), dbSNP rs554016597, ClinGen allele CA283848257.